The following is an entry in ClinVar:

NM_001378457.1(DMXL2):c.205C>G (p.Gln69Glu)

Gene: DMXL2 (Dmx like 2; minus strand). Cytogenetic location: 15q21.2.
Variant type: single nucleotide variant.
Coding change: c.205C>G on transcript NM_001378457.1 (MANE Select); coding-DNA position 205, C replaced by G.
Protein change: p.Gln69Glu; replaces glutamine 69 with glutamic acid.
Molecular consequence: missense variant. On other transcripts: non-coding transcript variant (2).
Genome position (GRCh38, 1-based): chr15:51,576,064, G>C on the plus strand (C>G on the coding strand, the complement: DMXL2 is on the minus strand). VCF-style: chr15-51576064-G-C. GRCh37 (hg19) VCF-style: chr15-51868261-G-C.
Other names: c.205C>G, p.Gln69Glu (NM_001174116.3, NM_001174117.3, NM_001378458.1 and 7 more transcripts); short protein forms Q69E.
Identifiers: ClinVar variation 3251433 (VCV003251433.1), dbSNP rs2548745523.

ClinVar aggregate classification (germline): Uncertain significance (1 of 4 stars; one submission).

Submission:

Women's Health and Genetics/Laboratory Corporation of America, LabCorp
Classification: Uncertain significance. Last evaluated: 2024-04-08. Review status: criteria provided, single submitter. Criteria: LabCorp Variant Classification Summary - May 2015. Collection method: clinical testing. Allele origin: germline.
Comment: Variant summary: DMXL2 c.205C>G (p.Gln69Glu) results in a conservative amino acid change in the encoded protein sequence. Four of five in-silico tools predict a benign effect of the variant on protein function. The variant was absent in 245806 control chromosomes. The available data on variant occurrences in the general population are insufficient to allow any conclusion about variant significance. To our knowledge, no occurrence of c.205C>G in individuals affected with DMXL2-Related Disorders and no experimental evidence demonstrating its impact on protein function have been reported. No submitters have cited clinical-significance assessments for this variant to ClinVar. Based on the evidence outlined above, the variant was classified as uncertain significance.